The following is an entry in ClinVar:

ClinVar aggregate classification (germline): Uncertain significance (1 of 4 stars; one submission).

Conditions:
Inborn genetic diseases. Identifiers: MedGen C0950123, MeSH D030342.

gnomAD v4.1: 1 of 1,613,590 alleles (0.000062%); highest among the groups gnomAD compares: African/African-American, 0.0013%; no homozygotes.

Submission:

Ambry Genetics
Classification: Uncertain significance for Inborn genetic diseases. Last evaluated: 2025-02-03. Review status: criteria provided, single submitter. Criteria: Ambry Variant Classification Scheme 2023. Collection method: clinical testing. Allele origin: germline.
Comment: The p.C660Y variant (also known as c.1979G>A), located in coding exon 1 of the SAMD9L gene, results from a G to A substitution at nucleotide position 1979. The cysteine at codon 660 is replaced by tyrosine, an amino acid with highly dissimilar properties. This amino acid position is conserved. In addition, this alteration is predicted to be tolerated by in silico analysis. Based on the available evidence, the clinical significance of this variant remains unclear.

NM_152703.5(SAMD9L):c.1979G>A (p.Cys660Tyr)

Gene: SAMD9L (sterile alpha motif domain containing 9 like; minus strand). Cytogenetic location: 7q21.2.
Variant type: single nucleotide variant.
Coding change: c.1979G>A on transcript NM_152703.5 (MANE Select); coding-DNA position 1979, G replaced by A.
Protein change: p.Cys660Tyr; replaces cysteine 660 with tyrosine.
Molecular consequence: missense variant.
Genome position (GRCh38, 1-based): chr7:93,133,993, C>T on the plus strand (G>A on the coding strand, the complement: SAMD9L is on the minus strand). VCF-style: chr7-93133993-C-T. GRCh37 (hg19) VCF-style: chr7-92763306-C-T.
Other names: c.1979G>A, p.Cys660Tyr (NM_001303496.3, NM_001303497.3, NM_001303498.3 and 5 more transcripts); short protein forms C660Y.
Identifiers: ClinVar variation 3792388 (VCV003792388.1).